The following is an entry in ClinVar:

ClinVar aggregate classification (germline): Uncertain significance (1 of 4 stars; one submission).

Conditions:
Hereditary pancreatitis (PCTT). Also called: Hereditary chronic pancreatitis; PRSS1-Related Hereditary Pancreatitis. Identifiers: Orphanet 676, MedGen C0238339, MONDO:0008185, OMIM 167800.

gnomAD v4.1: 3 of 1,614,192 alleles (0.00019%); highest among the groups gnomAD compares: Middle Eastern, 0.033%; no homozygotes.

Submission:

Ambry Genetics
Classification: Uncertain significance for Hereditary pancreatitis. Last evaluated: 2026-03-03. Review status: criteria provided, single submitter. Criteria: Ambry Variant Classification Scheme 2023. Collection method: clinical testing. Allele origin: germline.
Comment: The p.S272W variant (also known as c.815C>G), located in coding exon 8 of the CPA1 gene, results from a C to G substitution at nucleotide position 815. The serine at codon 272 is replaced by tryptophan, an amino acid with highly dissimilar properties. This amino acid position is not well conserved in available vertebrate species. In addition, the in silico prediction for this alteration is inconclusive. Based on the available evidence, the clinical significance of this variant remains unclear.

NM_001868.4(CPA1):c.815C>G (p.Ser272Trp)

Gene: CPA1 (carboxypeptidase A1; plus strand). Cytogenetic location: 7q32.2.
Variant type: single nucleotide variant.
Coding change: c.815C>G on transcript NM_001868.4 (MANE Select); coding-DNA position 815, C replaced by G.
Protein change: p.Ser272Trp; replaces serine 272 with tryptophan.
Molecular consequence: missense variant.
Genome position (GRCh38, 1-based): chr7:130,385,173, C>G. VCF-style: chr7-130385173-C-G. GRCh37 (hg19) VCF-style: chr7-130025014-C-G.
Other names: short protein forms S272W.
Identifiers: ClinVar variation 4843233 (VCV004843233.1).